The following is an entry in ClinVar:

ClinVar aggregate classification (germline): Uncertain significance (1 of 4 stars; one submission).

Submission:

Ambry Genetics
Classification: Uncertain significance. Last evaluated: 2025-04-14. Review status: criteria provided, single submitter. Criteria: Ambry Variant Classification Scheme 2023. Collection method: clinical testing. Allele origin: germline.
Comment: The p.Q572R variant (also known as c.1715A>G), located in coding exon 17 of the SLMAP gene, results from an A to G substitution at nucleotide position 1715. The glutamine at codon 572 is replaced by arginine, an amino acid with highly similar properties. This amino acid position is conserved. In addition, this alteration is predicted to be tolerated by in silico analysis. Based on the available evidence, the clinical significance of this variant remains unclear.

NM_001377540.1(SLMAP):c.1817A>G (p.Gln606Arg)

Gene: SLMAP (sarcolemma associated protein; plus strand). Cytogenetic location: 3p14.3.
Variant type: single nucleotide variant.
Coding change: c.1817A>G on transcript NM_001377540.1 (MANE Select); coding-DNA position 1817, A replaced by G.
Protein change: p.Gln606Arg; replaces glutamine 606 with arginine.
Molecular consequence: missense variant. On other transcripts: non-coding transcript variant (1).
Genome position (GRCh38, 1-based): chr3:57,912,498, A>G. VCF-style: chr3-57912498-A-G. GRCh37 (hg19) VCF-style: chr3-57898225-A-G.
Other names: c.1766A>G, p.Gln589Arg (NM_001304420.3, NM_001377541.1, NM_001377542.1); c.1652A>G, p.Gln551Arg (NM_001304421.2, NM_001377557.1, NM_001377559.1); c.368A>G, p.Gln123Arg (NM_001304422.3, NM_001311178.2); c.170A>G, p.Gln57Arg (NM_001304423.3); c.245A>G, p.Gln82Arg (NM_001311179.2, NM_001377926.1, NM_001377927.1 and 1 more transcripts); c.1838A>G, p.Gln613Arg (NM_001377538.1); c.1817A>G, p.Gln606Arg (NM_001377539.1); c.1754A>G, p.Gln585Arg (NM_001377545.1); and 8 more; short protein forms Q585R, Q589R, Q510R, Q544R, Q551R, Q572R, Q57R, Q613R.
Identifiers: ClinVar variation 3958284 (VCV003958284.1).